The following is an entry in ClinVar:

ClinVar aggregate classification (germline): Uncertain significance (1 of 4 stars; one submission).

gnomAD v4.1: 1 of 1,559,064 alleles (0.000064%); highest among the groups gnomAD compares: Non-Finnish European, 0.000087%; no homozygotes.

Submission:

Ambry Genetics
Classification: Uncertain significance. Last evaluated: 2026-08-31. Review status: criteria provided, single submitter. Criteria: Ambry Variant Classification Scheme 2023. Collection method: clinical testing. Allele origin: germline.
Comment: The p.P1771S variant (also known as c.5311C>T), located in coding exon 22 of the WNK2 gene, results from a C to T substitution at nucleotide position 5311. The proline at codon 1771 is replaced by serine, an amino acid with similar properties. This amino acid position is conserved. In addition, the in silico prediction for this alteration is inconclusive. Based on the available evidence, the clinical significance of this variant remains unclear.

NM_006648.4(WNK2):c.5311C>T (p.Pro1771Ser)

Gene: WNK2 (WNK lysine deficient protein kinase 2; plus strand). Cytogenetic location: 9q22.31.
Variant type: single nucleotide variant.
Coding change: c.5311C>T on transcript NM_006648.4 (MANE Select); coding-DNA position 5311, C replaced by T.
Protein change: p.Pro1771Ser; replaces proline 1771 with serine.
Molecular consequence: missense variant.
Genome position (GRCh38, 1-based): chr9:93,292,776, C>T. VCF-style: chr9-93292776-C-T. GRCh37 (hg19) VCF-style: chr9-96055058-C-T.
Other names: c.5422C>T, p.Pro1808Ser (NM_001282394.3); short protein forms P1808S, P1771S.
Identifiers: ClinVar variation 5031960 (VCV005031960.1).